The following is an entry in ClinVar:

ClinVar aggregate classification (germline): Uncertain significance (1 of 4 stars; one submission).

Conditions:
ACTN1-related disorder. Also called: ACTN1-related condition.

Submission:

PreventionGenetics, part of Exact Sciences
Classification: Uncertain significance for ACTN1-related condition. Last evaluated: 2023-03-01. Review status: criteria provided, single submitter. Criteria: ACMG Guidelines, 2015. Collection method: clinical testing. Allele origin: germline.
Comment: The ACTN1 c.649G>A variant is predicted to result in the amino acid substitution p.Asp217Asn. To our knowledge, this variant has not been reported in the literature or in a large population database, indicating this variant is rare. At this time, the clinical significance of this variant is uncertain due to the absence of conclusive functional and genetic evidence.

NM_001130004.2(ACTN1):c.649G>A (p.Asp217Asn)

Gene: ACTN1 (actinin alpha 1; minus strand). Cytogenetic location: 14q24.1.
Variant type: single nucleotide variant.
Coding change: c.649G>A on transcript NM_001130004.2 (MANE Select); coding-DNA position 649, G replaced by A.
Protein change: p.Asp217Asn; replaces aspartic acid 217 with asparagine.
Molecular consequence: missense variant. On other transcripts: 5 prime UTR variant (1).
Genome position (GRCh38, 1-based): chr14:68,904,682, C>T on the plus strand (G>A on the coding strand, the complement: ACTN1 is on the minus strand). VCF-style: chr14-68904682-C-T. GRCh37 (hg19) VCF-style: chr14-69371399-C-T.
Other names: c.649G>A, p.Asp217Asn (NM_001102.4, NM_001130005.2, NM_001411035.1 and 9 more transcripts); c.454G>A, p.Asp152Asn (NM_001411036.1, NM_001424026.1, NM_001424028.1); c.775G>A, p.Asp259Asn (NM_001424013.1); c.736G>A, p.Asp246Asn (NM_001424015.1); c.646G>A, p.Asp216Asn (NM_001424017.1); c.586G>A, p.Asp196Asn (NM_001424018.1, NM_001424020.1, NM_001424022.1); c.580G>A, p.Asp194Asn (NM_001424021.1); c.-262G>A (NM_001424030.1); short protein forms D152N, D194N, D196N, D216N, D217N, D246N, D259N.
Identifiers: ClinVar variation 2633717 (VCV002633717.1), dbSNP rs2503744539, ClinGen allele CA390191009.